The following is an entry in ClinVar:

ClinVar aggregate classification (germline): Uncertain significance (1 of 4 stars; one submission).

Conditions:
Developmental and epileptic encephalopathy, 43 (DEE43). Also called: Epileptic encephalopathy, early infantile, 43. Identifiers: MedGen C4310712, MONDO:0014921, OMIM 617113.

Allele frequency attached by ClinVar (database versions not stated): gnomAD exomes below 0.00001; TOPMed below 0.00001; gnomAD 0.00001.
gnomAD v4.1: 2 of 1,614,072 alleles (0.00012%); highest among the groups gnomAD compares: East Asian, 0.0022%; no homozygotes.

Submission:

Foundation for Research in Genetics and Endocrinology, FRIGE's Institute of Human Genetics
Classification: Uncertain significance for Developmental and epileptic encephalopathy, 43. Last evaluated: 2023-05-26. Review status: criteria provided, single submitter. Criteria: ACMG Guidelines, 2015. Collection method: clinical testing. Allele origin: germline. Inheritance: Autosomal dominant inheritance. Affected: yes. Observed: 1 heterozygote.
Comment: A heterozygous missense variant in exon 9 of the GABRB3 gene that results in the amino acid substitution of Arginine for Histidine at codon 427 (p.His427Arg) was detected. The observed variant lies in the neurotransmitter-gated ion-channel transmembrane region domain of the GABRB3 protein. The variant has not been reported in the 1000 genomes and gnomdAD (v2) databases and has a minor allele frequency of 0.0007% and 0.0004% in the gnomAD (v3.1) and topmed databases respectively. The in-silico prediction of the variant is damaging by LRT. The reference codon is conserved across species. In summary, the variant meets our criteria to be classified as a variant of uncertain significance.

NM_000814.6(GABRB3):c.1280A>G (p.His427Arg)

Gene: GABRB3 (gamma-aminobutyric acid type A receptor subunit beta3; minus strand). Cytogenetic location: 15q12.
Variant type: single nucleotide variant.
Coding change: c.1280A>G on transcript NM_000814.6 (MANE Select); coding-DNA position 1280, A replaced by G.
Protein change: p.His427Arg; replaces histidine 427 with arginine.
Molecular consequence: missense variant.
Genome position (GRCh38, 1-based): chr15:26,547,935, T>C on the plus strand (A>G on the coding strand, the complement: GABRB3 is on the minus strand). VCF-style: chr15-26547935-T-C. GRCh37 (hg19) VCF-style: chr15-26793082-T-C.
Other names: p.His427Arg; c.1025A>G, p.His342Arg (NM_001191320.2, NM_001278631.2); c.1067A>G, p.His356Arg (NM_001191321.3); c.1280A>G, p.His427Arg (NM_021912.5); short protein forms H342R, H356R, H427R.
Identifiers: ClinVar variation 2503046 (VCV002503046.2), dbSNP rs1710427903, ClinGen allele CA391458703.